The following is an entry in ClinVar:

NM_001127644.2(GABRA1):c.27C>A (p.Asp9Glu)

Gene: GABRA1 (gamma-aminobutyric acid type A receptor subunit alpha1; plus strand). Cytogenetic location: 5q34.
Variant type: single nucleotide variant.
Coding change: c.27C>A on transcript NM_001127644.2 (MANE Select); coding-DNA position 27, C replaced by A.
Protein change: p.Asp9Glu; replaces aspartic acid 9 with glutamic acid.
Molecular consequence: missense variant.
Genome position (GRCh38, 1-based): chr5:161,850,837, C>A. VCF-style: chr5-161850837-C-A. GRCh37 (hg19) VCF-style: chr5-161277843-C-A.
Other names: p.D9E:GAC>GAA; c.27C>A, p.Asp9Glu (NM_000806.5, NM_001127643.2, NM_001127645.2 and 1 more transcripts); short protein forms D9E.
Identifiers: ClinVar variation 196289 (VCV000196289.23), dbSNP rs113886269, ClinGen allele CA243192.

ClinVar aggregate classification (germline): Conflicting classifications of pathogenicity. Review status: criteria provided, conflicting classifications (1 of 4 stars). 8 submissions from 8 submitters: Uncertain significance (1); Benign (1); Likely benign (5). 1 of the submissions does not count toward it. Last evaluated 2026-01-11.

Conditions:
GABRA1-related disorder. Also called: GABRA1-related condition.
Epilepsy, idiopathic generalized, susceptibility to, 13. Also called: EPILEPSY, JUVENILE MYOCLONIC, SUSCEPTIBILITY TO, 5. Identifiers: Orphanet 307, Orphanet 64280, MedGen C4013473, MONDO:0012627, OMIM 611136.
Epilepsy, childhood absence 4 (ECA4). Also called: EPILEPSY, CHILDHOOD ABSENCE, SUSCEPTIBILITY TO, 4. Identifiers: Orphanet 307, MedGen C1970160.
Idiopathic generalized epilepsy. Also called: EIG; Generalised epilepsy. Identifiers: MedGen C0270850, MONDO:0005579, OMIM 600669.
Inborn genetic diseases. Identifiers: MedGen C0950123, MeSH D030342.

Allele frequency attached by ClinVar (database versions not stated): 1000 Genomes Project 30x 0.00047; 1000 Genomes Project 0.00060; gnomAD 0.00081 and 0.00087; TOPMed 0.00096; ESP Exome Variant Server 0.00100.
gnomAD v4.1: 283 of 1,614,098 alleles (0.018%); highest among the groups gnomAD compares: African/African-American, 0.3%; 2 homozygotes.

Submissions (8):

Labcorp Genetics (formerly Invitae), Labcorp
Classification: Likely benign for Epilepsy, childhood absence 4; Epilepsy, idiopathic generalized, susceptibility to, 13; Idiopathic generalized epilepsy. Last evaluated: 2026-01-11. Review status: criteria provided, single submitter. Criteria: Invitae Variant Classification Sherloc (09022015). Collection method: clinical testing. Allele origin: germline.

Women's Health and Genetics/Laboratory Corporation of America, LabCorp
Classification: Uncertain significance. Last evaluated: 2025-03-19. Review status: criteria provided, single submitter. Criteria: LabCorp Variant Classification Summary - May 2015. Collection method: clinical testing. Allele origin: germline.
Comment: Variant summary: GABRA1 c.27C>A (p.Asp9Glu) results in a conservative amino acid change in the encoded protein sequence. Five of five in-silico tools predict a benign effect of the variant on protein function. The variant allele was found at a frequency of 0.00021 in 251376 control chromosomes. This frequency is not significantly higher than estimated for a pathogenic variant in GABRA1 causing Developmental And Epileptic Encephalopathy, 19, allowing no conclusion about variant significance. To our knowledge, no occurrence of c.27C>A in individuals affected with Developmental And Epileptic Encephalopathy, 19 and no experimental evidence demonstrating its impact on protein function have been reported. ClinVar contains an entry for this variant (Variation ID: 196289). Based on the evidence outlined above, the variant was classified as uncertain significance.

Blueprint Genetics
Classification: Likely benign. Last evaluated: 2024-07-02. Review status: criteria provided, single submitter. Criteria: ACMG Guidelines, 2015. Collection method: clinical testing. Allele origin: germline.

GeneDx
Classification: Benign. Last evaluated: 2019-08-21. Review status: criteria provided, single submitter. Criteria: GeneDx Variant Classification Process June 2021. Collection method: clinical testing. Allele origin: germline. Affected: yes.

Ambry Genetics
Classification: Likely benign for Inborn genetic diseases. Last evaluated: 2018-10-04. Review status: criteria provided, single submitter. Criteria: Ambry Variant Classification Scheme 2023. Collection method: clinical testing. Allele origin: germline.

Eurofins Ntd Llc (ga)
Classification: Likely benign. Last evaluated: 2018-05-15. Review status: criteria provided, single submitter. Criteria: EGL ClinVar v180209 classification definitions. Collection method: clinical testing. Allele origin: germline. Observed: 2 variant alleles, 2 heterozygotes.

Breakthrough Genomics
Classification: Likely benign. Review status: criteria provided, single submitter. Criteria: ACMG Guidelines, 2015. Collection method: not provided. Allele origin: germline. Inheritance: Autosomal dominant inheritance. Affected: yes.

PreventionGenetics, part of Exact Sciences
Classification: Likely benign for GABRA1-related condition. Last evaluated: 2022-08-02. Review status: no assertion criteria provided. Collection method: clinical testing. Allele origin: germline. Not counted in ClinVar's aggregate classification.
Comment: This variant is classified as likely benign based on ACMG/AMP sequence variant interpretation guidelines (Richards et al. 2015 PMID: 25741868, with internal and published modifications).